The following is an entry in ClinVar:

ClinVar aggregate classification (germline): Likely pathogenic (1 of 4 stars; one submission).

Conditions:
Inborn genetic diseases. Identifiers: MedGen C0950123, MeSH D030342.

Submission:

Ambry Genetics
Classification: Likely pathogenic for Inborn genetic diseases. Last evaluated: 2022-11-10. Review status: criteria provided, single submitter. Criteria: Ambry Variant Classification Scheme 2023. Collection method: clinical testing. Allele origin: germline.
Comment: The c.3539G>A (p.G1180D) alteration is located in exon 5 (coding exon 5) of the KMT2A gene. This alteration results from a G to A substitution at nucleotide position 3539, causing the glycine (G) at amino acid position 1180 to be replaced by an aspartic acid (D). This variant was not reported in population-based cohorts in the Genome Aggregation Database (gnomAD). Another alteration at the same codon, c.3539G>C (p.G1180A), has been reported de novo in an individual with features consistent with Wiedemann-Steiner syndrome (Dillon, 2018). This amino acid position is highly conserved in available vertebrate species. This alteration is predicted to be deleterious by in silico analysis. Based on the available evidence, this alteration is classified as likely pathogenic.

Literature cited by the submitters: PubMed 29453417.

NM_001197104.2(KMT2A):c.3539G>A (p.Gly1180Asp)

Gene: KMT2A (lysine methyltransferase 2A; plus strand). Cytogenetic location: 11q23.3.
Variant type: single nucleotide variant.
Coding change: c.3539G>A on transcript NM_001197104.2 (MANE Select); coding-DNA position 3539, G replaced by A.
Protein change: p.Gly1180Asp; replaces glycine 1180 with aspartic acid.
Molecular consequence: missense variant.
Genome position (GRCh38, 1-based): chr11:118,478,171, G>A. VCF-style: chr11-118478171-G-A. GRCh37 (hg19) VCF-style: chr11-118348886-G-A.
Other names: c.3638G>A, p.Gly1213Asp (NM_001412597.1); c.3539G>A, p.Gly1180Asp (NM_005933.4); short protein forms G1213D, G1180D.
Identifiers: ClinVar variation 2316134 (VCV002316134.2), dbSNP rs1555038115, ClinGen allele CA382825140.